The following is an entry in ClinVar:

NM_000535.7(PMS2):c.1366T>C (p.Ser456Pro)

Gene: PMS2 (PMS1 homolog 2, mismatch repair system component; minus strand). Cytogenetic location: 7p22.1.
Variant type: single nucleotide variant.
Coding change: c.1366T>C on transcript NM_000535.7 (MANE Select); coding-DNA position 1366, T replaced by C.
Protein change: p.Ser456Pro; replaces serine 456 with proline.
Molecular consequence: missense variant. On other transcripts: non-coding transcript variant (1), intron variant (1).
Genome position (GRCh38, 1-based): chr7:5,987,399, A>G on the plus strand (T>C on the coding strand, the complement: PMS2 is on the minus strand). VCF-style: chr7-5987399-A-G. GRCh37 (hg19) VCF-style: chr7-6027030-A-G.
Other names: c.1057T>C, p.Ser353Pro (NM_001406877.1, NM_001406878.1, NM_001406879.1 and 5 more transcripts); c.1048T>C, p.Ser350Pro (NM_001406883.1, NM_001322007.2, NM_001322008.2 and 2 more transcripts); c.1042T>C, p.Ser348Pro (NM_001406884.1); c.1030T>C, p.Ser344Pro (NM_001406885.1); c.961T>C, p.Ser321Pro (NM_001322009.2, NM_001406896.1, NM_001406897.1 and 16 more transcripts); c.805T>C, p.Ser269Pro (NM_001322010.2, NM_001406906.1, NM_001406907.1); c.433T>C, p.Ser145Pro (NM_001322011.2, NM_001322012.2); c.793T>C, p.Ser265Pro (NM_001322013.2, NM_001406909.1); and 13 more; short protein forms S298P, S334P, S353P, S518P, S145P, S199P, S269P, S344P.
Identifiers: ClinVar variation 3651238 (VCV003651238.2).

ClinVar aggregate classification (germline): Uncertain significance (1 of 4 stars; one submission).

Conditions:
Hereditary nonpolyposis colorectal neoplasms. Identifiers: MedGen C0009405, MeSH D003123.

Submission:

Labcorp Genetics (formerly Invitae), Labcorp
Classification: Uncertain significance for Hereditary nonpolyposis colorectal neoplasms. Last evaluated: 2024-04-25. Review status: criteria provided, single submitter. Criteria: Invitae Variant Classification Sherloc (09022015). Collection method: clinical testing. Allele origin: germline.
Comment: This sequence change replaces serine, which is neutral and polar, with proline, which is neutral and non-polar, at codon 456 of the PMS2 protein (p.Ser456Pro). This variant is not present in population databases (gnomAD no frequency). This variant has not been reported in the literature in individuals affected with PMS2-related conditions. Advanced modeling of protein sequence and biophysical properties (such as structural, functional, and spatial information, amino acid conservation, physicochemical variation, residue mobility, and thermodynamic stability) performed at Invitae indicates that this missense variant is not expected to disrupt PMS2 protein function with a negative predictive value of 80%. In summary, the available evidence is currently insufficient to determine the role of this variant in disease. Therefore, it has been classified as a Variant of Uncertain Significance.